The following is an entry in ClinVar:

ClinVar aggregate classification (germline): Likely pathogenic (1 of 4 stars; one submission).

Conditions:
Dworschak-Punetha neurodevelopmental syndrome (DWOPNED). Identifiers: MedGen C5677017, MONDO:0859260, OMIM 619955.

Submission:

Women's Health and Genetics/Laboratory Corporation of America, LabCorp
Classification: Likely pathogenic for Dworschak-Punetha neurodevelopmental syndrome. Last evaluated: 2024-12-12. Review status: criteria provided, single submitter. Criteria: LabCorp Variant Classification Summary - May 2015. Collection method: clinical testing. Allele origin: germline.
Comment: Variant summary: PLXNA1 c.2757-1G>A is located in a canonical splice-site and is predicted to affect mRNA splicing resulting in a significantly altered protein due to either exon skipping, shortening, or inclusion of intronic material. Variants that disrupt the consensus splice site are a relatively common cause of aberrant splicing and loss of PLXNA1 function. Several computational tools predict a significant impact on normal splicing: Four predict the variant abolishes a canonical 3' acceptor site. However, these predictions have yet to be confirmed by functional studies. The variant was absent in 245536 control chromosomes (gnomAD). To our knowledge, no occurrence of c.2757-1G>A in individuals affected with Dworschak-Punetha Neurodevelopmental Syndrome and no experimental evidence demonstrating its impact on protein function have been reported. No submitters have cited clinical-significance assessments for this variant to ClinVar. Based on the evidence outlined above, the variant was classified as likely pathogenic.

NM_032242.4(PLXNA1):c.2757-1G>A

Gene: PLXNA1 (plexin A1; plus strand). Cytogenetic location: 3q21.3.
Variant type: single nucleotide variant.
Coding change: c.2757-1G>A on transcript NM_032242.4 (MANE Select); the canonical splice acceptor site of the intron before coding-DNA position 2757, G replaced by A.
Molecular consequence: splice acceptor variant.
Genome position (GRCh38, 1-based): chr3:127,014,710, G>A. VCF-style: chr3-127014710-G-A. GRCh37 (hg19) VCF-style: chr3-126733553-G-A.
Identifiers: ClinVar variation 3768094 (VCV003768094.1).